The following is an entry in ClinVar:

ClinVar aggregate classification (germline): Uncertain significance (1 of 4 stars; one submission).

Submission:

Ambry Genetics
Classification: Uncertain significance. Last evaluated: 2025-08-18. Review status: criteria provided, single submitter. Criteria: Ambry Variant Classification Scheme 2023. Collection method: clinical testing. Allele origin: germline.
Comment: The c.3121+1G>T intronic variant results from a G to T substitution one nucleotide after coding exon 27 of the KIF1B gene. This nucleotide position is highly conserved in available vertebrate species. In silico splice site analysis predicts that this alteration will weaken the native splice donor site. The evidence for this gene-disease relationship is limited; therefore, the clinical significance of this alteration is unclear.

NM_001365951.3(KIF1B):c.3259+1G>T

Gene: KIF1B (kinesin family member 1B; plus strand). Cytogenetic location: 1p36.22.
Variant type: single nucleotide variant.
Coding change: c.3259+1G>T on transcript NM_001365951.3 (MANE Select); the canonical splice donor site of the intron after coding-DNA position 3259, G replaced by T.
Molecular consequence: splice donor variant.
Genome position (GRCh38, 1-based): chr1:10,337,204, G>T. VCF-style: chr1-10337204-G-T. GRCh37 (hg19) VCF-style: chr1-10397262-G-T.
Other names: c.3121+1G>T (NM_015074.3); c.3259+1G>T (NM_001365952.1).
Identifiers: ClinVar variation 4092363 (VCV004092363.1).